The following is an entry in ClinVar:

ClinVar aggregate classification (germline): Uncertain significance. Review status: criteria provided, multiple submitters, no conflicts (2 of 4 stars). 2 submissions from 2 submitters: Uncertain significance (2). Last evaluated 2025-05-17.

Conditions:
Nephronophthisis. Also called: Juvenile Nephronophthisis. Identifiers: Orphanet 655, MedGen C0687120, MONDO:0019005, HP:0000090.
Inborn genetic diseases. Identifiers: MedGen C0950123, MeSH D030342.

Allele frequency attached by ClinVar (database versions not stated): gnomAD exomes 0.00001; ExAC 0.00001.
gnomAD v4.1: 4 of 1,613,594 alleles (0.00025%); highest among the groups gnomAD compares: Middle Eastern, 0.066%; no homozygotes.

Submissions (2):

Ambry Genetics
Classification: Uncertain significance for Inborn genetic diseases. Last evaluated: 2025-05-17. Review status: criteria provided, single submitter. Criteria: Ambry Variant Classification Scheme 2023. Collection method: clinical testing. Allele origin: germline.

Labcorp Genetics (formerly Invitae), Labcorp
Classification: Uncertain significance for Nephronophthisis. Last evaluated: 2022-03-11. Review status: criteria provided, single submitter. Criteria: Invitae Variant Classification Sherloc (09022015). Collection method: clinical testing. Allele origin: germline.
Comment: This sequence change replaces threonine, which is neutral and polar, with proline, which is neutral and non-polar, at codon 459 of the NPHP4 protein (p.Thr459Pro). This variant is present in population databases (rs772430250, gnomAD 0.0009%). This variant has not been reported in the literature in individuals affected with NPHP4-related conditions. Algorithms developed to predict the effect of missense changes on protein structure and function output the following: SIFT: "Tolerated"; PolyPhen-2: "Benign"; Align-GVGD: "Class C0". The proline amino acid residue is found in multiple mammalian species, which suggests that this missense change does not adversely affect protein function. In summary, the available evidence is currently insufficient to determine the role of this variant in disease. Therefore, it has been classified as a Variant of Uncertain Significance.

NM_015102.5(NPHP4):c.1375A>C (p.Thr459Pro)

Gene: NPHP4 (nephrocystin 4; minus strand). Cytogenetic location: 1p36.31.
Variant type: single nucleotide variant.
Coding change: c.1375A>C on transcript NM_015102.5 (MANE Select); coding-DNA position 1375, A replaced by C.
Protein change: p.Thr459Pro; replaces threonine 459 with proline.
Molecular consequence: missense variant. On other transcripts: synonymous variant (2), non-coding transcript variant (1).
Genome position (GRCh38, 1-based): chr1:5,927,715, T>G on the plus strand (A>C on the coding strand, the complement: NPHP4 is on the minus strand). VCF-style: chr1-5927715-T-G. GRCh37 (hg19) VCF-style: chr1-5987775-T-G.
Other names: c.9A>C, p.Pro3= (NM_001291593.2, NM_001291594.2); c.1375A>C (NM_015102.3); short protein forms T459P.
Identifiers: ClinVar variation 1967783 (VCV001967783.3), dbSNP rs772430250, ClinGen allele CA554538.
Genomic context (GRCh38, chr1:5,927,715, plus strand): 5'-GGGACGTGGGTGGTTTCCTGGAAGGCCGCCGCTCCACTTTGGGGCCACTGACAGGCTCCG[T>G]GGGTGCATCCAGGTGTTCTTCTGAGCCCAGCGAGAACTGGAACCGGAGTGTACCCGACTC-3'
Protein context (NP_055917.1, residues 449-469): LGSEEHLDAP[Thr459Pro]EPVSGPKVER